The following is an entry in ClinVar:

NM_206933.4(USH2A):c.8405A>G (p.Tyr2802Cys)

Gene: USH2A (usherin; minus strand). Cytogenetic location: 1q41.
Variant type: single nucleotide variant.
Coding change: c.8405A>G on transcript NM_206933.4 (MANE Select); coding-DNA position 8405, A replaced by G.
Protein change: p.Tyr2802Cys; replaces tyrosine 2802 with cysteine.
Molecular consequence: missense variant.
Genome position (GRCh38, 1-based): chr1:215,878,917, T>C on the plus strand (A>G on the coding strand, the complement: USH2A is on the minus strand). VCF-style: chr1-215878917-T-C. GRCh37 (hg19) VCF-style: chr1-216052259-T-C.
Other names: c.8405A>G (NM_206933.2); short protein forms Y2802C.
Identifiers: ClinVar variation 1518013 (VCV001518013.7), dbSNP rs764812165, ClinGen allele CA1394615.
Genomic context (GRCh38, chr1:215,878,917, plus strand): 5'-TGAGGTACGGTGGGGTGAGTGGTAACATAGGTAGGTAAACTCTCTGTGCACCCTCCAAGG[T>C]ACCCATTACCCCCTGAGCAAGCAACAATGGTGACAGAATAATTAGTGAAAGGAATCAGAT-3'
Protein context (NP_996816.3, residues 2792-2812): TIVACSGGNG[Tyr2802Cys]LGGCTESLPT

ClinVar aggregate classification (germline): Uncertain significance. Review status: criteria provided, multiple submitters, no conflicts (2 of 4 stars). 3 submissions from 3 submitters: Uncertain significance (3). Last evaluated 2026-01-20.

Conditions:
USH2A-related disorder. Also called: USH2A-related condition; USH2A-related disorders. Identifiers: MedGen CN239332.

Allele frequency attached by ClinVar (database versions not stated): ExAC 0.00002; gnomAD 0.00002; gnomAD exomes 0.00002 and 0.00010; TOPMed 0.00004.
gnomAD v4.1: 149 of 1,613,908 alleles (0.0092%); highest among the groups gnomAD compares: Non-Finnish European, 0.012%; no homozygotes.

Submissions (3):

PreventionGenetics, part of Exact Sciences
Classification: Uncertain significance for USH2A-related condition. Last evaluated: 2026-01-20. Review status: criteria provided, single submitter. Criteria: ACMG Guidelines, 2015. Collection method: clinical testing. Allele origin: germline.
Comment: The USH2A c.8405A>G variant is predicted to result in the amino acid substitution p.Tyr2802Cys. To our knowledge, this variant has not been reported in the literature. This variant is reported in 0.0053% of alleles in individuals of European (Non-Finnish) descent in gnomAD. At this time, the clinical significance of this variant is uncertain due to the absence of conclusive functional and genetic evidence.

Labcorp Genetics (formerly Invitae), Labcorp
Classification: Uncertain significance. Last evaluated: 2025-10-07. Review status: criteria provided, single submitter. Criteria: Invitae Variant Classification Sherloc (09022015). Collection method: clinical testing. Allele origin: germline.
Comment: This sequence change replaces tyrosine, which is neutral and polar, with cysteine, which is neutral and slightly polar, at codon 2802 of the USH2A protein (p.Tyr2802Cys). This variant is present in population databases (rs764812165, gnomAD 0.005%). This variant has not been reported in the literature in individuals affected with USH2A-related conditions. ClinVar contains an entry for this variant (Variation ID: 1518013). Invitae Evidence Modeling of protein sequence and biophysical properties (such as structural, functional, and spatial information, amino acid conservation, physicochemical variation, residue mobility, and thermodynamic stability) indicates that this missense variant is not expected to disrupt USH2A protein function with a negative predictive value of 95%. In summary, the available evidence is currently insufficient to determine the role of this variant in disease. Therefore, it has been classified as a Variant of Uncertain Significance.

Blueprint Genetics
Classification: Uncertain significance. Last evaluated: 2024-05-06. Review status: criteria provided, single submitter. Criteria: ACMG Guidelines, 2015. Collection method: clinical testing. Allele origin: germline.